The following is an entry in ClinVar:

ClinVar aggregate classification (germline): Conflicting classifications of pathogenicity. Review status: criteria provided, conflicting classifications (1 of 4 stars). 9 submissions from 7 submitters: Uncertain significance (1); Benign (2); Likely benign (3). 3 of the submissions do not count toward it. Last evaluated 2026-02-01.

Conditions:
Liddle syndrome 1 (LIDLS1). Also called: PSEUDOALDOSTERONISM. Identifiers: Orphanet 526, MedGen CN031472, MONDO:0020607, OMIM 177200.
SCNN1B-related disorder. Also called: SCNN1B-related condition.
Bronchiectasis with or without elevated sweat chloride 1 (BESC1). Also called: Cystic Fibrosis-Like Syndrome. Identifiers: Orphanet 60033, MedGen C2749757, MONDO:0008887, OMIM 211400.
Pseudohypoaldosteronism, type IB1, autosomal recessive. Also called: Pseudohypoaldosteronism, Type I, Recessive; PHA I, AUTOSOMAL RECESSIVE; Autosomal recessive pseudohypoaldosteronism type 1; Pseudohypoaldosteronism, Type I, Autosomal Recessive. Identifiers: Orphanet 171876, Orphanet 756, MedGen C5774176, MONDO:0009917, OMIM 264350.

Allele frequency attached by ClinVar (database versions not stated): 1000 Genomes Project 30x 0.00016; 1000 Genomes Project 0.00020; TOPMed 0.00128; gnomAD exomes 0.00132 and 0.00219; ExAC 0.00137; gnomAD 0.00151 and 0.00155; ESP Exome Variant Server 0.00192.
gnomAD v4.1: 3,378 of 1,614,158 alleles (0.21%); highest among the groups gnomAD compares: Non-Finnish European, 0.27%; 10 homozygotes.

Submissions (9):

CeGaT Center for Human Genetics Tuebingen
Classification: Likely benign. Last evaluated: 2026-02-01. Review status: criteria provided, single submitter. Criteria: CeGaT Center For Human Genetics Tuebingen Variant Classification Criteria Version 2. Collection method: clinical testing. Allele origin: germline. Affected: yes. Observed: 2 variant alleles.
Comment: SCNN1B: BP4, BP7

Labcorp Genetics (formerly Invitae), Labcorp
Classification: Likely benign. Last evaluated: 2026-01-15. Review status: criteria provided, single submitter. Criteria: Invitae Variant Classification Sherloc (09022015). Collection method: clinical testing. Allele origin: germline.

Blueprint Genetics
Classification: Likely benign. Last evaluated: 2024-11-18. Review status: criteria provided, single submitter. Criteria: ACMG Guidelines, 2015. Collection method: clinical testing. Allele origin: germline.

Illumina Laboratory Services, Illumina
Classification: Benign for Liddle syndrome 1. Last evaluated: 2018-01-12. Review status: criteria provided, single submitter. Criteria: ICSL Variant Classification Criteria 13 December 2019. Collection method: clinical testing. Allele origin: germline.
Comment: This variant was observed in the ICSL laboratory as part of a predisposition screen in an ostensibly healthy population. It had not been previously curated by ICSL or reported in the Human Gene Mutation Database (HGMD: prior to June 1st, 2018), and was therefore a candidate for classification through an automated scoring system. Utilizing variant allele frequency, disease prevalence and penetrance estimates, and inheritance mode, an automated score was calculated to assess if this variant is too frequent to cause the disease. Based on the score and internal cut-off values, a variant classified as benign is not then subjected to further curation. The score for this variant resulted in a classification of benign for this disease.

Illumina Laboratory Services, Illumina
Classification: Benign for Bronchiectasis with or without elevated sweat chloride 1. Last evaluated: 2018-01-12. Review status: criteria provided, single submitter. Criteria: ICSL Variant Classification Criteria 13 December 2019. Collection method: clinical testing. Allele origin: germline.
Comment: the same text as in the submission from Illumina Laboratory Services, Illumina above.

Illumina Laboratory Services, Illumina
Classification: Uncertain significance for Pseudohypoaldosteronism, type IB1, autosomal recessive. Last evaluated: 2018-01-12. Review status: criteria provided, single submitter. Criteria: ICSL Variant Classification Criteria 13 December 2019. Collection method: clinical testing. Allele origin: germline.

PreventionGenetics, part of Exact Sciences
Classification: Likely benign for SCNN1B-related condition. Last evaluated: 2019-08-06. Review status: no assertion criteria provided. Collection method: clinical testing. Allele origin: germline. Not counted in ClinVar's aggregate classification.
Comment: This variant is classified as likely benign based on ACMG/AMP sequence variant interpretation guidelines (Richards et al. 2015 PMID: 25741868, with internal and published modifications).

Genome Diagnostics Laboratory, University Medical Center Utrecht
Classification: Likely benign. Review status: no assertion criteria provided. Collection method: clinical testing. Allele origin: germline. Affected: yes. Study: VKGL Data-share Consensus. Not counted in ClinVar's aggregate classification.

Joint Genome Diagnostic Labs from Nijmegen and Maastricht, Radboudumc and MUMC+
Classification: Likely benign. Review status: no assertion criteria provided. Collection method: clinical testing. Allele origin: germline. Affected: yes. Study: VKGL Data-share Consensus. Not counted in ClinVar's aggregate classification.

NM_000336.3(SCNN1B):c.1545C>T (p.Ile515=)

Gene: SCNN1B (sodium channel epithelial 1 subunit beta; plus strand). Cytogenetic location: 16p12.2.
Variant type: single nucleotide variant.
Coding change: c.1545C>T on transcript NM_000336.3 (MANE Select); coding-DNA position 1545, C replaced by T.
Protein change: p.Ile515=; no amino-acid change (isoleucine 515 retained).
Molecular consequence: synonymous variant.
Genome position (GRCh38, 1-based): chr16:23,380,423, C>T. VCF-style: chr16-23380423-C-T. GRCh37 (hg19) VCF-style: chr16-23391744-C-T.
Identifiers: ClinVar variation 318441 (VCV000318441.41), dbSNP rs61759916, ClinGen allele CA7960580.